The following is an entry in ClinVar:

ClinVar aggregate classification (germline): Uncertain significance (1 of 4 stars; one submission).

Submission:

Labcorp Genetics (formerly Invitae), Labcorp
Classification: Uncertain significance. Last evaluated: 2024-01-22. Review status: criteria provided, single submitter. Criteria: Invitae Variant Classification Sherloc (09022015). Collection method: clinical testing. Allele origin: germline.
Comment: This sequence change replaces glutamic acid, which is acidic and polar, with glutamine, which is neutral and polar, at codon 1202 of the CARMIL2 protein (p.Glu1202Gln). This variant is not present in population databases (gnomAD no frequency). This variant has not been reported in the literature in individuals affected with CARMIL2-related conditions. ClinVar contains an entry for this variant (Variation ID: 1714616). Advanced modeling of protein sequence and biophysical properties (such as structural, functional, and spatial information, amino acid conservation, physicochemical variation, residue mobility, and thermodynamic stability) performed at Invitae indicates that this missense variant is not expected to disrupt CARMIL2 protein function with a negative predictive value of 80%. In summary, the available evidence is currently insufficient to determine the role of this variant in disease. Therefore, it has been classified as a Variant of Uncertain Significance.

NM_001013838.3(CARMIL2):c.3604G>C (p.Glu1202Gln)

Gene: CARMIL2 (capping protein regulator and myosin 1 linker 2; plus strand). Cytogenetic location: 16q22.1.
Variant type: single nucleotide variant.
Coding change: c.3604G>C on transcript NM_001013838.3 (MANE Select); coding-DNA position 3604, G replaced by C.
Protein change: p.Glu1202Gln; replaces glutamic acid 1202 with glutamine.
Molecular consequence: missense variant.
Genome position (GRCh38, 1-based): chr16:67,654,799, G>C. VCF-style: chr16-67654799-G-C. GRCh37 (hg19) VCF-style: chr16-67688702-G-C.
Other names: c.3496G>C, p.Glu1166Gln (NM_001317026.3); short protein forms E1166Q, E1202Q.
Identifiers: ClinVar variation 1714616 (VCV001714616.5), dbSNP rs923958872, ClinGen allele CA283212955.